The following is an entry in ClinVar:

ClinVar aggregate classification (germline): Uncertain significance (1 of 4 stars; one submission).

Conditions:
PPARG-related disorder. Also called: PPARG-related disorders; PPARG-related condition.

Submission:

PreventionGenetics, part of Exact Sciences
Classification: Uncertain significance for PPARG-related condition. Last evaluated: 2026-09-21. Review status: criteria provided, single submitter. Criteria: ACMG Guidelines, 2015. Collection method: clinical testing. Allele origin: germline.
Comment: The PPARG c.389C>A variant is predicted to result in the amino acid substitution p.Pro130His. To our knowledge, this variant has not been reported in the literature or in a large population database (gnomAD), indicating this variant is rare. At this time, the clinical significance of this variant is uncertain due to the absence of conclusive functional and genetic evidence.

NM_138711.6(PPARG):c.299C>A (p.Pro100His)

Gene: PPARG (peroxisome proliferator activated receptor gamma; plus strand). Cytogenetic location: 3p25.2.
Variant type: single nucleotide variant.
Coding change: c.299C>A on transcript NM_138711.6 (MANE Select); coding-DNA position 299, C replaced by A.
Protein change: p.Pro100His; replaces proline 100 with histidine.
Molecular consequence: missense variant. On other transcripts: 5 prime UTR variant (1).
Genome position (GRCh38, 1-based): chr3:12,381,400, C>A. VCF-style: chr3-12381400-C-A. GRCh37 (hg19) VCF-style: chr3-12422899-C-A.
Other names: c.299C>A, p.Pro100His (NM_001330615.4, NM_001354666.3, NM_001354667.3 and 6 more transcripts); c.389C>A, p.Pro130His (NM_001354668.2, NM_001374265.1, NM_015869.5); c.-129C>A (NM_001354669.2); c.305C>A, p.Pro102His (NM_001354670.2, NM_001374266.1); short protein forms P102H, P130H, P100H.
Identifiers: ClinVar variation 4991878 (VCV004991878.1).